The following is an entry in ClinVar:

NM_006295.3(VARS1):c.2476C>A (p.Leu826Ile)

Gene: VARS1 (valyl-tRNA synthetase 1; minus strand). Cytogenetic location: 6p21.33.
Variant type: single nucleotide variant.
Coding change: c.2476C>A on transcript NM_006295.3 (MANE Select); coding-DNA position 2476, C replaced by A.
Protein change: p.Leu826Ile; replaces leucine 826 with isoleucine.
Molecular consequence: missense variant.
Genome position (GRCh38, 1-based): chr6:31,781,549, G>T on the plus strand (C>A on the coding strand, the complement: VARS1 is on the minus strand). VCF-style: chr6-31781549-G-T. GRCh37 (hg19) VCF-style: chr6-31749326-G-T.
Other names: short protein forms L826I.
Identifiers: ClinVar variation 4687769 (VCV004687769.1).

ClinVar aggregate classification (germline): Uncertain significance (1 of 4 stars; one submission).

Submission:

Women's Health and Genetics/Laboratory Corporation of America, LabCorp
Classification: Uncertain significance. Last evaluated: 2025-10-24. Review status: criteria provided, single submitter. Criteria: LabCorp Variant Classification Summary - May 2015. Collection method: clinical testing. Allele origin: germline.
Comment: Variant summary: VARS1 c.2476C>A (p.Leu826Ile) results in a conservative amino acid change in the encoded protein sequence. Algorithms developed to predict the effect of missense changes on protein structure and function are either unavailable or do not agree on the potential impact of this missense change. The variant was absent in 246484 control chromosomes. The available data on variant occurrences in the general population are insufficient to allow any conclusion about variant significance. To our knowledge, no occurrence of c.2476C>A in individuals affected with VARS1-related conditions and no experimental evidence demonstrating its impact on protein function have been reported. No submitters have cited clinical-significance assessments for this variant to ClinVar. Based on the evidence outlined above, the variant was classified as uncertain significance.